The following is an entry in ClinVar:

ClinVar aggregate classification (germline): Uncertain significance. Review status: criteria provided, multiple submitters, no conflicts (2 of 4 stars). 2 submissions from 2 submitters: Uncertain significance (2). Last evaluated 2025-03-24.

Conditions:
2-aminoadipic 2-oxoadipic aciduria (AAKAD). Also called: Aminoadipic aciduria; ALPHA-AMINOADIPIC AND ALPHA-KETOADIPIC ACIDURIA. Identifiers: Orphanet 79154, MedGen C1859817, MONDO:0008774, OMIM 204750.

Allele frequency attached by ClinVar (database versions not stated): gnomAD 0.00001 and 0.00003; gnomAD exomes 0.00001 and 0.00003; TOPMed 0.00001; ExAC 0.00002; 1000 Genomes Project 30x 0.00016; 1000 Genomes Project 0.00020.
gnomAD v4.1: 18 of 1,613,972 alleles (0.0011%); highest among the groups gnomAD compares: East Asian, 0.036%; no homozygotes.

Submissions (2):

Labcorp Genetics (formerly Invitae), Labcorp
Classification: Uncertain significance for 2-aminoadipic 2-oxoadipic aciduria. Last evaluated: 2025-03-24. Review status: criteria provided, single submitter. Criteria: Invitae Variant Classification Sherloc (09022015). Collection method: clinical testing. Allele origin: germline.
Comment: This sequence change replaces leucine, which is neutral and non-polar, with valine, which is neutral and non-polar, at codon 914 of the DHTKD1 protein (p.Leu914Val). This variant is present in population databases (rs200646026, gnomAD 0.04%). This variant has not been reported in the literature in individuals affected with DHTKD1-related conditions. ClinVar contains an entry for this variant (Variation ID: 973449). Invitae Evidence Modeling of protein sequence and biophysical properties (such as structural, functional, and spatial information, amino acid conservation, physicochemical variation, residue mobility, and thermodynamic stability) indicates that this missense variant is not expected to disrupt DHTKD1 protein function with a negative predictive value of 80%. In summary, the available evidence is currently insufficient to determine the role of this variant in disease. Therefore, it has been classified as a Variant of Uncertain Significance.

Elsea Laboratory, Baylor College of Medicine
Classification: Uncertain significance for 2-aminoadipic 2-oxoadipic aciduria. Last evaluated: 2020-04-01. Review status: criteria provided, single submitter. Criteria: ACMG Guidelines, 2015. Collection method: clinical testing. Allele origin: maternal. Affected: no.

NM_018706.7(DHTKD1):c.2740C>G (p.Leu914Val)

Gene: DHTKD1 (dehydrogenase E1 and transketolase domain containing 1; plus strand). Cytogenetic location: 10p14.
Variant type: single nucleotide variant.
Coding change: c.2740C>G on transcript NM_018706.7 (MANE Select); coding-DNA position 2740, C replaced by G.
Protein change: p.Leu914Val; replaces leucine 914 with valine.
Molecular consequence: missense variant.
Genome position (GRCh38, 1-based): chr10:12,120,868, C>G. VCF-style: chr10-12120868-C-G. GRCh37 (hg19) VCF-style: chr10-12162867-C-G.
Other names: short protein forms L914V.
Identifiers: ClinVar variation 973449 (VCV000973449.5), dbSNP rs200646026, ClinGen allele CA5408383.
Genomic context (GRCh38, chr10:12,120,868, plus strand): 5'-CCTTTGCCAGTACCCGCTGTAGGAATTGGCACAGTTCACTTGCACCAGCATGAAGATATC[C>G]TCGCCAAGACCTTCGCTTGATGATGACTTTTGAAGAAACACTATTTCTCTTTAAGAAAAT-3'
Protein context (NP_061176.4, residues 904-919): TVHLHQHEDI[Leu914Val]AKTFA